The following is an entry in ClinVar:

NM_000515.5(GH1):c.253C>T (p.Pro85Ser)

Genes: GH-LCR (growth hormone locus control region; plus strand), GH1 (growth hormone 1; minus strand). Cytogenetic location: 17q23.3.
Variant type: single nucleotide variant.
Coding change: c.253C>T on transcript NM_000515.5 (MANE Select); coding-DNA position 253, C replaced by T.
Protein change: p.Pro85Ser; replaces proline 85 with serine.
Molecular consequence: missense variant. On other transcripts: intron variant (1).
Genome position (GRCh38, 1-based): chr17:63,918,055, G>A on the plus strand (C>T on the coding strand, the complement: GH1 is on the minus strand). VCF-style: chr17-63918055-G-A. GRCh37 (hg19) VCF-style: chr17-61995415-G-A.
Other names: c.208C>T, p.Pro70Ser (NM_022559.4); c.172-131C>T (NM_022560.4); short protein forms P70S, P85S.
Identifiers: ClinVar variation 4074340 (VCV004074340.1).
Genomic context (GRCh38, chr17:63,918,055, plus strand): 5'-TGGGGAGAAGGCATCCACTCACGGATTTCTGTTGTGTTTCCTCCCTGTTGGAGGGTGTCG[G>A]AATAGACTCTGAGAAACAGAGGGAGGTCTGGGGGTTCTGCAGGAATGAATACTTCTGTTC-3'
Protein context (NP_000506.2, residues 75-95): QTSLCFSESI[Pro85Ser]TPSNREETQQ

ClinVar aggregate classification (germline): Likely pathogenic (1 of 4 stars; one submission).

Submission:

GeneDx
Classification: Likely pathogenic. Last evaluated: 2025-02-04. Review status: criteria provided, single submitter. Criteria: GeneDx Variant Classification Process June 2021. Collection method: clinical testing. Allele origin: germline. Affected: yes.
Comment: Has been reported, as P59S due to use of alternate nomenclature, in the heterozygous state in a sister and brother with short statureone; the sister was also noted to have developmental delay and learning issues (PMID: 23417163); Published functional studies suggest a damaging effect with this variant resulting in reduced GHR binding and reduced activation of Jak2/Stat5 pathway (PMID: 23417163); Not observed at significant frequency in large population cohorts (gnomAD); In silico analysis supports that this missense variant has a deleterious effect on protein structure/function; This variant is associated with the following publications: (PMID: 23417163)